The following is an entry in ClinVar:

ClinVar aggregate classification (germline): Uncertain significance (1 of 4 stars; one submission).

Conditions:
Frontotemporal dementia and/or amyotrophic lateral sclerosis 7 (FTDALS7). Also called: Amyotrophic lateral sclerosis 17; CHMP2B-related frontotemporal dementia; CHMP2B-Related Frontotemporal Dementia-Amyotrophic Lateral Sclerosis; AMYOTROPHIC LATERAL SCLEROSIS, CHMP2B-RELATED. Identifiers: Orphanet 275864, Orphanet 282, Orphanet 803, MedGen C1833296, MONDO:0010936, OMIM 600795.

Submission:

Labcorp Genetics (formerly Invitae), Labcorp
Classification: Uncertain significance for Frontotemporal dementia and/or amyotrophic lateral sclerosis 7. Last evaluated: 2021-12-02. Review status: criteria provided, single submitter. Criteria: Invitae Variant Classification Sherloc (09022015). Collection method: clinical testing. Allele origin: germline.
Comment: In summary, the available evidence is currently insufficient to determine the role of this variant in disease. Therefore, it has been classified as a Variant of Uncertain Significance. This variant has not been reported in the literature in individuals affected with CHMP2B-related conditions. A gross deletion of the genomic region encompassing the full coding sequence of the CHMP2B gene has been identified. The current clinical and genetic evidence is not sufficient to establish whether loss-of-function variants in CHMP2B cause disease. The boundaries of this event are unknown as they extend beyond the assayed region for this gene and therefore may encompass additional genes.

NC_000003.11:g.(?_87276673)_(87325612_?)del

Genes: CHMP2B (charged multivesicular body protein 2B; plus strand), POU1F1 (POU class 1 homeobox 1; minus strand). Cytogenetic location: 3p11.2.
Variant type: Deletion.
Identifiers: ClinVar variation 1411771 (VCV001411771.7).